The following is an entry in ClinVar:

ClinVar aggregate classification (germline): Uncertain significance (1 of 4 stars; one submission).

Submission:

GeneDx
Classification: Uncertain significance. Last evaluated: 2026-08-06. Review status: criteria provided, single submitter. Criteria: GeneDx Variant Classification Process June 2021. Collection method: clinical testing. Allele origin: germline.
Comment: Not observed at significant frequency in large population cohorts (gnomAD); In silico analysis supports that this missense variant has a deleterious effect on protein structure/function; Reported in an alternate transcript (c.3571C>A, p.P1191T in NM_001351295.1) in a patient with pulmonary arterial hypertension and an autoimmune connective tissue disorder in published literature (PMID: 31727138); This variant is associated with the following publications: (PMID: 31727138)

NM_000352.6(ABCC8):c.3505C>A (p.Pro1169Thr)

Gene: ABCC8 (ATP binding cassette subfamily C member 8; minus strand). Cytogenetic location: 11p15.1.
Variant type: single nucleotide variant.
Coding change: c.3505C>A on transcript NM_000352.6 (MANE Select); coding-DNA position 3505, C replaced by A.
Protein change: p.Pro1169Thr; replaces proline 1169 with threonine.
Molecular consequence: missense variant. On other transcripts: non-coding transcript variant (1).
Genome position (GRCh38, 1-based): chr11:17,404,564, G>T on the plus strand (C>A on the coding strand, the complement: ABCC8 is on the minus strand). VCF-style: chr11-17404564-G-T. GRCh37 (hg19) VCF-style: chr11-17426111-G-T.
Other names: c.3508C>A, p.Pro1170Thr (NM_001287174.3); c.3571C>A, p.Pro1191Thr (NM_001351295.2); c.3505C>A, p.Pro1169Thr (NM_001351296.2); c.3502C>A, p.Pro1168Thr (NM_001351297.2); short protein forms P1168T, P1169T, P1170T, P1191T.
Identifiers: ClinVar variation 3777331 (VCV003777331.2).